The following is an entry in ClinVar:

ClinVar aggregate classification (germline): Uncertain significance (1 of 4 stars; one submission).

Conditions:
Charcot-Marie-Tooth disease axonal type 2C (HMSN2C). Also called: Charcot-Marie-Tooth Disease Type 2, TRPV4-Related (CMT2C); CHARCOT-MARIE-TOOTH DISEASE, AXONAL, AUTOSOMAL DOMINANT, TYPE 2C; Charcot-Marie-Tooth Neuropathy Type 2C. Identifiers: Orphanet 99937, MedGen C1853710, MONDO:0011633, OMIM 606071.

Allele frequency attached by ClinVar (database versions not stated): gnomAD exomes below 0.00001 and 0.00001.
gnomAD v4.1: 4 of 1,614,172 alleles (0.00025%); highest among the groups gnomAD compares: Non-Finnish European, 0.00034%; no homozygotes.

Submission:

Labcorp Genetics (formerly Invitae), Labcorp
Classification: Uncertain significance for Charcot-Marie-Tooth disease axonal type 2C. Last evaluated: 2023-11-27. Review status: criteria provided, single submitter. Criteria: Invitae Variant Classification Sherloc (09022015). Collection method: clinical testing. Allele origin: germline.
Comment: This sequence change replaces methionine, which is neutral and non-polar, with leucine, which is neutral and non-polar, at codon 642 of the TRPV4 protein (p.Met642Leu). This variant is present in population databases (no rsID available, gnomAD 0.0009%). This variant has not been reported in the literature in individuals affected with TRPV4-related conditions. ClinVar contains an entry for this variant (Variation ID: 840857). Advanced modeling of protein sequence and biophysical properties (such as structural, functional, and spatial information, amino acid conservation, physicochemical variation, residue mobility, and thermodynamic stability) performed at Invitae indicates that this missense variant is not expected to disrupt TRPV4 protein function with a negative predictive value of 95%. In summary, the available evidence is currently insufficient to determine the role of this variant in disease. Therefore, it has been classified as a Variant of Uncertain Significance.

NM_021625.5(TRPV4):c.1924A>T (p.Met642Leu)

Gene: TRPV4 (transient receptor potential cation channel subfamily V member 4; minus strand). Cytogenetic location: 12q24.11.
Variant type: single nucleotide variant.
Coding change: c.1924A>T on transcript NM_021625.5 (MANE Select); coding-DNA position 1924, A replaced by T.
Protein change: p.Met642Leu; replaces methionine 642 with leucine.
Molecular consequence: missense variant.
Genome position (GRCh38, 1-based): chr12:109,788,684, T>A on the plus strand (A>T on the coding strand, the complement: TRPV4 is on the minus strand). VCF-style: chr12-109788684-T-A. GRCh37 (hg19) VCF-style: chr12-110226489-T-A.
Other names: c.1783A>T, p.Met595Leu (NM_001177428.2); c.1822A>T, p.Met608Leu (NM_001177431.2); c.1603A>T, p.Met535Leu (NM_001177433.2); c.1744A>T, p.Met582Leu (NM_147204.3); short protein forms M535L, M608L, M582L, M642L, M595L.
Identifiers: ClinVar variation 840857 (VCV000840857.9), dbSNP rs1411091303, ClinGen allele CA386651134.